The following is an entry in ClinVar:

ClinVar aggregate classification (germline): Uncertain significance (1 of 4 stars; one submission).

Submission:

Greenwood Genetic Center Diagnostic Laboratories, Greenwood Genetic Center
Classification: Uncertain significance. Last evaluated: 2022-01-10. Review status: criteria provided, single submitter. Criteria: ACMG Guidelines, 2015. Collection method: clinical testing. Allele origin: somatic. Affected: yes.
Comment: PP2, PP3, PM2

NM_014795.4(ZEB2):c.953G>A (p.Arg318His)

Gene: ZEB2 (zinc finger E-box binding homeobox 2; minus strand). Cytogenetic location: 2q22.3.
Variant type: single nucleotide variant.
Coding change: c.953G>A on transcript NM_014795.4 (MANE Select); coding-DNA position 953, G replaced by A.
Protein change: p.Arg318His; replaces arginine 318 with histidine.
Molecular consequence: missense variant.
Genome position (GRCh38, 1-based): chr2:144,400,234, C>T on the plus strand (G>A on the coding strand, the complement: ZEB2 is on the minus strand). VCF-style: chr2-144400234-C-T. GRCh37 (hg19) VCF-style: chr2-145157801-C-T.
Other names: c.881G>A, p.Arg294His (NM_001171653.2); short protein forms R294H, R318H.
Identifiers: ClinVar variation 1676464 (VCV001676464.3), dbSNP rs2149877534, ClinGen allele CA348713344.